The following is an entry in ClinVar:

NM_001130987.2(DYSF):c.1488_1491del (p.Asp497fs)

Gene: DYSF (dysferlin; plus strand). Cytogenetic location: 2p13.2.
Variant type: Deletion.
Coding change: c.1488_1491del on transcript NM_001130987.2 (MANE Select); coding-DNA positions 1488 to 1491, 4 bases deleted (AGAC; older notation c.1488_1491delAGAC).
Protein change: p.Asp497fs; shifts the reading frame from aspartic acid 497.
Molecular consequence: frameshift variant.
Genome position (GRCh38, 1-based): chr2:71,535,306-71,535,309, AGAC deleted. VCF-style (leftmost placement, unchanged base first): chr2-71535305-TAGAC-T. GRCh37 (hg19) VCF-style: chr2-71762435-TAGAC-T.
Other names: c.1395_1398del, p.Asp466fs (NM_001130455.2, NM_001130983.2, NM_001130984.2 and 1 more transcripts); c.1392_1395del, p.Asp465fs (NM_001130976.2, NM_001130977.2, NM_001130978.2 and 1 more transcripts); c.1485_1488del, p.Asp496fs (NM_001130979.2, NM_001130980.2, NM_001130981.2); c.1488_1491del, p.Asp497fs (NM_001130982.2, NM_001130985.2); short protein forms D465fs, D466fs, D496fs, D497fs.
Identifiers: ClinVar variation 5013674 (VCV005013674.1).
Genomic context (GRCh38, chr2:71,535,305, plus strand): 5'-ACACGCCTCTATTCCTTCCTCAGTTTCCCTCCATGTGCGAAAAAATGAGGATTCGTATCA[TAGAC>T]TGGTGAGTTCTGAGTCTTGGAGTCTTTAGGGCGGGCTGTCCTGAGGGGGCGCTGGGTCCC-3'

ClinVar aggregate classification (germline): Pathogenic (1 of 4 stars; one submission).

Conditions:
Autosomal recessive limb-girdle muscular dystrophy. Identifiers: Orphanet 102015, MedGen C2931907, MONDO:0015152.

Submission:

Myriad Genetics, Inc.
Classification: Pathogenic for Autosomal recessive limb-girdle muscular dystrophy. Last evaluated: 2024-10-23. Review status: criteria provided, single submitter. Criteria: Myriad Autosomal Dominant, Autosomal Recessive and X-Linked Classification Criteria (2023). Collection method: clinical testing. Allele origin: unknown.
Comment: NM_003494.3(DYSF):c.1392_1395delAGAC(D465Gfs*4) is expected to be pathogenic in the context of dysferlinopathy. This variant is predicted to lead to an abnormal or absent protein product due to the creation of a premature termination codon in DYSF, a gene where loss-of-function variants are known to be pathogenic. Please note: this variant was assessed in the context of healthy population screening.